The following is an entry in ClinVar:

NM_001166108.2(PALLD):c.262G>C (p.Glu88Gln)

Gene: PALLD (palladin, cytoskeletal associated protein; plus strand). Cytogenetic location: 4q32.3.
Variant type: single nucleotide variant.
Coding change: c.262G>C on transcript NM_001166108.2 (MANE Select); coding-DNA position 262, G replaced by C.
Protein change: p.Glu88Gln; replaces glutamic acid 88 with glutamine.
Molecular consequence: missense variant.
Genome position (GRCh38, 1-based): chr4:168,511,766, G>C. VCF-style: chr4-168511766-G-C. GRCh37 (hg19) VCF-style: chr4-169432917-G-C.
Other names: c.262G>C, p.Glu88Gln (NM_016081.4); short protein forms E88Q.
Identifiers: ClinVar variation 2625548 (VCV002625548.2), dbSNP rs1580053051, ClinGen allele CA358725169.
Genomic context (GRCh38, chr4:168,511,766, plus strand): 5'-TTCAGTACTTCTCCTGCAAGCCTCTGTGAACATCCTTCCCATAAGGAGACCAAATTGGGT[G>C]AACACGCCTCGAGGAGACCTCAGGATAACAGGTCAACACCTGTCCAGCCTCTGGCAGAGA-3'
Protein context (NP_001159580.1, residues 78-98): HPSHKETKLG[Glu88Gln]HASRRPQDNR

ClinVar aggregate classification (germline): Uncertain significance (1 of 4 stars; one submission).

Submission:

Ambry Genetics
Classification: Uncertain significance. Last evaluated: 2023-07-03. Review status: criteria provided, single submitter. Criteria: Ambry Variant Classification Scheme 2023. Collection method: clinical testing. Allele origin: germline.
Comment: The p.E88Q variant (also known as c.262G>C), located in coding exon 1 of the PALLD gene, results from a G to C substitution at nucleotide position 262. The glutamic acid at codon 88 is replaced by glutamine, an amino acid with highly similar properties. This amino acid position is conserved. In addition, this alteration is predicted to be tolerated by in silico analysis. Since supporting evidence is limited at this time, the clinical significance of this alteration remains unclear.